The following is an entry in ClinVar:

NM_001994.3(F13B):c.1049A>G (p.His350Arg)

Gene: F13B (coagulation factor XIII B chain; minus strand). Cytogenetic location: 1q31.3.
Variant type: single nucleotide variant.
Coding change: c.1049A>G on transcript NM_001994.3 (MANE Select); coding-DNA position 1049, A replaced by G.
Protein change: p.His350Arg; replaces histidine 350 with arginine.
Molecular consequence: missense variant.
Genome position (GRCh38, 1-based): chr1:197,057,135, T>C on the plus strand (A>G on the coding strand, the complement: F13B is on the minus strand). VCF-style: chr1-197057135-T-C. GRCh37 (hg19) VCF-style: chr1-197026265-T-C.
Other names: short protein forms H350R.
Identifiers: ClinVar variation 717818 (VCV000717818.9), dbSNP rs5999, ClinGen allele CA1308422.

ClinVar aggregate classification (germline): Conflicting classifications of pathogenicity. Review status: criteria provided, conflicting classifications (1 of 4 stars). 3 submissions from 3 submitters: Uncertain significance (1); Benign (1). 1 of the submissions does not count toward it. Last evaluated 2018-01-13.

Conditions:
Factor XIII, b subunit, deficiency of. Also called: Factor XIII subunit B deficiency. Identifiers: Orphanet 331, MedGen C2750481, MONDO:0013190, OMIM 613235, HP:0040234.
F13B-related disorder. Also called: F13B-related condition.

Allele frequency attached by ClinVar (database versions not stated): gnomAD exomes 0.00087 and 0.00223; ExAC 0.00269; 1000 Genomes Project 0.00739; gnomAD 0.00800 and 0.00858; 1000 Genomes Project 30x 0.00812; TOPMed 0.00852; ESP Exome Variant Server 0.00884.
gnomAD v4.1: 2,573 of 1,613,814 alleles (0.16%); highest among the groups gnomAD compares: African/African-American, 2.6%; 21 homozygotes.

Submissions (3):

Illumina Laboratory Services, Illumina
Classification: Uncertain significance for Factor XIII, b subunit, deficiency of. Last evaluated: 2018-01-13. Review status: criteria provided, single submitter. Criteria: ICSL Variant Classification Criteria 13 December 2019. Collection method: clinical testing. Allele origin: germline.

Labcorp Genetics (formerly Invitae), Labcorp
Classification: Benign. Last evaluated: 2017-10-09. Review status: criteria provided, single submitter. Criteria: Invitae Variant Classification Sherloc (09022015). Collection method: clinical testing. Allele origin: germline.

PreventionGenetics, part of Exact Sciences
Classification: Benign for F13B-related condition. Last evaluated: 2019-09-24. Review status: no assertion criteria provided. Collection method: clinical testing. Allele origin: germline. Not counted in ClinVar's aggregate classification.
Comment: This variant is classified as benign based on ACMG/AMP sequence variant interpretation guidelines (Richards et al. 2015 PMID: 25741868, with internal and published modifications).